The following is an entry in ClinVar:

NM_004700.4(KCNQ4):c.725G>A (p.Trp242Ter)

Gene: KCNQ4 (potassium voltage-gated channel subfamily Q member 4; plus strand). Cytogenetic location: 1p34.2.
Variant type: single nucleotide variant.
Coding change: c.725G>A on transcript NM_004700.4 (MANE Select); coding-DNA position 725, G replaced by A.
Protein change: p.Trp242Ter; replaces tryptophan 242 with a stop codon.
Molecular consequence: nonsense.
Genome position (GRCh38, 1-based): chr1:40,819,363, G>A. VCF-style: chr1-40819363-G-A. GRCh37 (hg19) VCF-style: chr1-41285035-G-A.
Other names: c.725G>A, p.Trp242Ter (NM_172163.3); short protein forms W242*.
Identifiers: ClinVar variation 65893 (VCV000065893.3), dbSNP rs1648206560, ClinGen allele CA339895366.

ClinVar aggregate classification (germline): Pathogenic (0 of 4 stars; one submission).

Conditions:
Autosomal dominant nonsyndromic hearing loss 2A. Also called: Deafness, autosomal dominant 2A; DFNA2 Nonsyndromic Hearing Loss; Autosomal dominant nonsyndromic deafness 2A. Identifiers: Orphanet 90635, MedGen C2677637, MONDO:0010817, OMIM 600101.

Allele frequency attached by ClinVar (database versions not stated): gnomAD 0.00001.
gnomAD v4.1: 1 of 1,613,736 alleles (0.000062%); highest among the groups gnomAD compares: Admixed American, 0.0017%; no homozygotes.

Submission:

GeneReviews
Classification: Pathogenic for DFNA 2 Nonsyndromic Hearing Loss. Last evaluated: 2013-06-20. Review status: no assertion criteria provided. Collection method: curation. Allele origin: unknown.
ClinVar note: Converted during submission from pathologic to Pathogenic.